The following is an entry in ClinVar:

NM_021930.6(RINT1):c.1123G>A (p.Gly375Ser)

Gene: RINT1 (RAD50 interactor 1; plus strand). Cytogenetic location: 7q22.3.
Variant type: single nucleotide variant.
Coding change: c.1123G>A on transcript NM_021930.6 (MANE Select); coding-DNA position 1123, G replaced by A.
Protein change: p.Gly375Ser; replaces glycine 375 with serine.
Molecular consequence: missense variant. On other transcripts: non-coding transcript variant (1).
Genome position (GRCh38, 1-based): chr7:105,550,276, G>A. VCF-style: chr7-105550276-G-A. GRCh37 (hg19) VCF-style: chr7-105190723-G-A.
Other names: c.889G>A, p.Gly297Ser (NM_001346599.2); c.100G>A, p.Gly34Ser (NM_001346600.2, NM_001346603.2); c.199G>A, p.Gly67Ser (NM_001346601.2); short protein forms G375S, G34S, G67S, G297S.
Identifiers: ClinVar variation 3945960 (VCV003945960.1).

ClinVar aggregate classification (germline): Uncertain significance (1 of 4 stars; one submission).

gnomAD v4.1: 3 of 1,613,706 alleles (0.00019%); highest among the groups gnomAD compares: Non-Finnish European, 0.00025%; no homozygotes.

Submission:

Ambry Genetics
Classification: Uncertain significance. Last evaluated: 2025-05-18. Review status: criteria provided, single submitter. Criteria: Ambry Variant Classification Scheme 2023. Collection method: clinical testing. Allele origin: germline.
Comment: The p.G375S variant (also known as c.1123G>A), located in coding exon 9 of the RINT1 gene, results from a G to A substitution at nucleotide position 1123. The glycine at codon 375 is replaced by serine, an amino acid with similar properties. This amino acid position is conserved. In addition, this alteration is predicted to be tolerated by in silico analysis. Based on the available evidence, the clinical significance of this variant remains unclear.